The following is an entry in ClinVar:

ClinVar aggregate classification (germline): Likely benign (0 of 4 stars; one submission).

Conditions:
TMEM94-related disorder. Also called: TMEM94-related condition.

Allele frequency attached by ClinVar (database versions not stated): gnomAD 0.00001; ExAC 0.00002; TOPMed 0.00002.
gnomAD v4.1: 40 of 1,613,214 alleles (0.0025%); highest among the groups gnomAD compares: South Asian, 0.016%; no homozygotes.

Submission:

PreventionGenetics, part of Exact Sciences
Classification: Likely benign for TMEM94-related condition. Last evaluated: 2019-11-12. Review status: no assertion criteria provided. Collection method: clinical testing. Allele origin: germline.
Comment: This variant is classified as likely benign based on ACMG/AMP sequence variant interpretation guidelines (Richards et al. 2015 PMID: 25741868, with internal and published modifications).

NM_014738.6(TMEM94):c.1818C>T (p.Ser606=)

Gene: TMEM94 (transmembrane protein 94; plus strand). Cytogenetic location: 17q25.1.
Variant type: single nucleotide variant.
Coding change: c.1818C>T on transcript NM_014738.6 (MANE Select); coding-DNA position 1818, C replaced by T.
Protein change: p.Ser606=; no amino-acid change (serine 606 retained).
Molecular consequence: synonymous variant.
Genome position (GRCh38, 1-based): chr17:75,492,695, C>T. VCF-style: chr17-75492695-C-T. GRCh37 (hg19) VCF-style: chr17-73488776-C-T.
Other names: c.1848C>T, p.Ser616= (NM_001321148.2, NM_001351203.2); c.1830C>T, p.Ser610= (NM_001321149.2); c.1770C>T, p.Ser590= (NM_001351202.2).
Identifiers: ClinVar variation 3053745 (VCV003053745.2), dbSNP rs775071693, ClinGen allele CA8761962.